The following is an entry in ClinVar:

ClinVar aggregate classification (germline): Uncertain significance (1 of 4 stars; one submission).

Conditions:
Fanconi anemia (FA). Also called: Fanconi's anemia. Identifiers: Orphanet 84, MedGen C0015625, MeSH D005199, MONDO:0019391.

Allele frequency attached by ClinVar (database versions not stated): gnomAD exomes 0.00003 and 0.00006; ExAC 0.00008.
gnomAD v4.1: 45 of 1,613,596 alleles (0.0028%); highest among the groups gnomAD compares: South Asian, 0.045%; no homozygotes.

Submission:

Labcorp Genetics (formerly Invitae), Labcorp
Classification: Uncertain significance for Fanconi anemia. Last evaluated: 2021-09-21. Review status: criteria provided, single submitter. Criteria: Invitae Variant Classification Sherloc (09022015). Collection method: clinical testing. Allele origin: germline.
Comment: In summary, the available evidence is currently insufficient to determine the role of this variant in disease. Therefore, it has been classified as a Variant of Uncertain Significance. Algorithms developed to predict the effect of missense changes on protein structure and function (SIFT, PolyPhen-2, Align-GVGD) all suggest that this variant is likely to be tolerated. This variant has not been reported in the literature in individuals affected with SLX4-related conditions. This variant is present in population databases (rs767298613, ExAC 0.05%). This sequence change replaces phenylalanine with tyrosine at codon 387 of the SLX4 protein (p.Phe387Tyr). The phenylalanine residue is weakly conserved and there is a small physicochemical difference between phenylalanine and tyrosine.

NM_032444.4(SLX4):c.1160T>A (p.Phe387Tyr)

Gene: SLX4 (SLX4 structure-specific endonuclease subunit; minus strand). Cytogenetic location: 16p13.3.
Variant type: single nucleotide variant.
Coding change: c.1160T>A on transcript NM_032444.4 (MANE Select); coding-DNA position 1160, T replaced by A.
Protein change: p.Phe387Tyr; replaces phenylalanine 387 with tyrosine.
Molecular consequence: missense variant.
Genome position (GRCh38, 1-based): chr16:3,600,982, A>T on the plus strand (T>A on the coding strand, the complement: SLX4 is on the minus strand). VCF-style: chr16-3600982-A-T. GRCh37 (hg19) VCF-style: chr16-3650983-A-T.
Other names: short protein forms F387Y.
Identifiers: ClinVar variation 1380517 (VCV001380517.6), dbSNP rs767298613, ClinGen allele CA7866627.